The following is an entry in ClinVar:

ClinVar aggregate classification (germline): Pathogenic. Review status: criteria provided, multiple submitters, no conflicts (2 of 4 stars). 2 submissions from 2 submitters: Pathogenic (2). Last evaluated 2024-01-23.

Conditions:
Familial cancer of breast. Also called: BREAST CANCER, FAMILIAL; Hereditary breast cancer; hereditary breast carcinoma. Identifiers: Orphanet 227535, MedGen C0346153, MONDO:0016419, OMIM 114480. Disease mechanism: loss of function.
Hereditary cancer-predisposing syndrome. Also called: Neoplastic Syndromes, Hereditary; Tumor predisposition; Hereditary neoplastic syndrome; Hereditary Cancer Syndrome. Identifiers: Orphanet 140162, MedGen C0027672, MeSH D009386, MONDO:0015356.

Submissions (2):

Myriad Genetics, Inc.
Classification: Pathogenic for Familial cancer of breast. Last evaluated: 2024-01-23. Review status: criteria provided, single submitter. Criteria: Myriad Autosomal Dominant, Autosomal Recessive and X-Linked Classification Criteria (2023). Collection method: clinical testing. Allele origin: unknown.
Comment: This variant is considered pathogenic. This variant creates a frameshift predicted to result in premature protein truncation.

Color Diagnostics, LLC DBA Color Health
Classification: Pathogenic for Hereditary cancer-predisposing syndrome. Last evaluated: 2023-09-18. Review status: criteria provided, single submitter. Criteria: ACMG Guidelines, 2015. Collection method: clinical testing. Allele origin: germline.
Comment: This variant deletes 1 nucleotide in exon 28 of the ATM gene, creating a frameshift and premature translation stop signal. This variant is expected to result in an absent or non-functional protein product. To our knowledge, this variant has not been reported in individuals affected with ATM-related disorders in the literature. This variant has not been identified in the general population by the Genome Aggregation Database (gnomAD). Loss of ATM function is a known mechanism of disease. Based on the available evidence, this variant is classified as Pathogenic.

NM_000051.4(ATM):c.4146del (p.Ser1383fs)

Gene: ATM (ATM serine/threonine kinase; plus strand). Cytogenetic location: 11q22.3.
Variant type: Deletion.
Coding change: c.4146del on transcript NM_000051.4 (MANE Select); coding-DNA position 4146, one base deleted (A; older notation c.4146delA).
Protein change: p.Ser1383fs; shifts the reading frame from serine 1383.
Molecular consequence: frameshift variant.
Genome position (GRCh38, 1-based): chr11:108,289,013, A deleted. VCF-style (leftmost placement, unchanged base first): chr11-108289012-CA-C. GRCh37 (hg19) VCF-style: chr11-108159739-CA-C.
Other names: c.4146del, p.Ser1383fs (NM_001351834.2); short protein forms S1383fs.
Identifiers: ClinVar variation 3148424 (VCV003148424.2), dbSNP rs2546904158, ClinGen allele CA2825001842.